The following is an entry in ClinVar:

NM_001322934.2(NFKB2):c.727G>A (p.Gly243Arg)

Genes: NFKB2 (nuclear factor kappa B subunit 2; plus strand), LOC121815964 (Sharpr-MPRA regulatory region 13585; plus strand). Cytogenetic location: 10q24.32.
Variant type: single nucleotide variant.
Coding change: c.727G>A on transcript NM_001322934.2 (MANE Select); coding-DNA position 727, G replaced by A.
Protein change: p.Gly243Arg; replaces glycine 243 with arginine.
Molecular consequence: missense variant.
Genome position (GRCh38, 1-based): chr10:102,398,046, G>A. VCF-style: chr10-102398046-G-A. GRCh37 (hg19) VCF-style: chr10-104157803-G-A.
Other names: c.727G>A, p.Gly243Arg (NM_001077494.3, NM_001261403.3, NM_001288724.1 and 2 more transcripts); short protein forms G243R.
Identifiers: ClinVar variation 3677032 (VCV003677032.2).

ClinVar aggregate classification (germline): Uncertain significance (1 of 4 stars; one submission).

Conditions:
Immunodeficiency, common variable, 10. Also called: DEFICIT IN ANTERIOR PITUITARY FUNCTION AND VARIABLE IMMUNODEFICIENCY; IMMUNODEFICIENCY, COMMON VARIABLE, WITH CENTRAL ADRENAL INSUFFICIENCY. Identifiers: MedGen C3809991, MONDO:0014260, OMIM 615577.

Submission:

Labcorp Genetics (formerly Invitae), Labcorp
Classification: Uncertain significance for Immunodeficiency, common variable, 10. Last evaluated: 2025-06-09. Review status: criteria provided, single submitter. Criteria: Invitae Variant Classification Sherloc (09022015). Collection method: clinical testing. Allele origin: germline.
Comment: This sequence change replaces glycine, which is neutral and non-polar, with arginine, which is basic and polar, at codon 243 of the NFKB2 protein (p.Gly243Arg). This variant is not present in population databases (gnomAD no frequency). This variant has not been reported in the literature in individuals affected with NFKB2-related conditions. ClinVar contains an entry for this variant (Variation ID: 3677032). An algorithm developed to predict the effect of missense changes on protein structure and function (PolyPhen-2) suggests that this variant is likely to be disruptive. In summary, the available evidence is currently insufficient to determine the role of this variant in disease. Therefore, it has been classified as a Variant of Uncertain Significance.